The following is an entry in ClinVar:

ClinVar aggregate classification (germline): Pathogenic (1 of 4 stars; one submission).

Conditions:
Mitochondrial DNA depletion syndrome 9 (MTDPS9). Also called: SUCLG1-Related Mitochondrial DNA Depletion Syndrome, Encephalomyopathic Form with Methylmalonic Aciduria. Identifiers: Orphanet 17, MedGen C3151476, MONDO:0009504, OMIM 245400.

Submission:

Labcorp Genetics (formerly Invitae), Labcorp
Classification: Pathogenic for Mitochondrial DNA depletion syndrome 9. Last evaluated: 2025-04-30. Review status: criteria provided, single submitter. Criteria: Invitae Variant Classification Sherloc (09022015). Collection method: clinical testing. Allele origin: germline.
Comment: This sequence change creates a premature translational stop signal (p.Arg195Leufs*10) in the SUCLG1 gene. It is expected to result in an absent or disrupted protein product. Loss-of-function variants in SUCLG1 are known to be pathogenic (PMID: 20693550). This variant is not present in population databases (gnomAD no frequency). This variant has not been reported in the literature in individuals affected with SUCLG1-related conditions. For these reasons, this variant has been classified as Pathogenic.

Literature cited by the submitters: PubMed 20693550.

NM_003849.4(SUCLG1):c.583_586del (p.Arg195fs)

Gene: SUCLG1 (succinate-CoA ligase GDP/ADP-forming subunit alpha; minus strand). Cytogenetic location: 2p11.2.
Variant type: Microsatellite.
Coding change: c.583_586del on transcript NM_003849.4 (MANE Select); coding-DNA positions 583 to 586, 4 bases deleted (AGGA; older notation c.583_586delAGGA).
Protein change: p.Arg195fs; shifts the reading frame from arginine 195.
Molecular consequence: frameshift variant.
Genome position (GRCh38, 1-based): chr2:84,441,050-84,441,053, TCCT deleted on the plus strand (AGGA on the coding strand, the reverse complement: SUCLG1 is on the minus strand); deleting any 4 consecutive bases within chr2:84,441,050-84,441,058 gives the same sequence; the c. name uses the placement nearest the transcript's 3' end. VCF-style (leftmost placement, unchanged base first): chr2-84441049-ATCCT-A. GRCh37 (hg19) VCF-style: chr2-84668173-ATCCT-A.
Other names: short protein forms R195fs.
Identifiers: ClinVar variation 3651171 (VCV003651171.2).